The following is an entry in ClinVar:

ClinVar aggregate classification (germline): Uncertain significance (1 of 4 stars; one submission).

Conditions:
Alstrom syndrome (ALMS). Identifiers: Orphanet 64, MedGen C0268425, MONDO:0008763, OMIM 203800.

Submission:

Labcorp Genetics (formerly Invitae), Labcorp
Classification: Uncertain significance for Alstrom syndrome. Last evaluated: 2022-04-18. Review status: criteria provided, single submitter. Criteria: Invitae Variant Classification Sherloc (09022015). Collection method: clinical testing. Allele origin: germline.
Comment: This variant, c.77_78ins39, results in the insertion of 13 amino acid(s) of the ALMS1 protein (p.Glu17_Glu29dup), but otherwise preserves the integrity of the reading frame. In summary, the available evidence is currently insufficient to determine the role of this variant in disease. Therefore, it has been classified as a Variant of Uncertain Significance. Experimental studies and prediction algorithms are not available or were not evaluated, and the functional significance of this variant is currently unknown. This variant has not been reported in the literature in individuals affected with ALMS1-related conditions. This variant is not present in population databases (gnomAD no frequency).

NM_001378454.1(ALMS1):c.74_75insGGAGGAGGAGGAGGAGGAGGAAGAGGAGGAGGAGGAGGA (p.Glu28_Ala29insGluGluGluGluGluGluGluGluGluGluGluGluGlu)

Gene: ALMS1 (ALMS1 centrosome and basal body associated protein; plus strand). Cytogenetic location: 2p13.1.
Variant type: Microsatellite.
Coding change: c.74_75insGGAGGAGGAGGAGGAGGAGGAAGAGGAGGAGGAGGAGGA on transcript NM_001378454.1 (MANE Select); coding-DNA positions 74 to 75, GGAGGAGGAGGAGGAGGAGGAAGAGGAGGAGGAGGAGGA inserted.
Protein change: p.Glu28_Ala29insGluGluGluGluGluGluGluGluGluGluGluGluGlu.
Molecular consequence: inframe insertion.
Genome position: GRCh38: chr2:73,385,926-73,385,942. GRCh37 (hg19): chr2:73,613,054-73,613,070.
Other names: c.77_78insGGAGGAGGAGGAGGAGGAGGAAGAGGAGGAGGAGGAGGA, p.Glu29_Ala30insGluGluGluGluGluGluGluGluGluGluGluGluGlu (NM_015120.4).
Identifiers: ClinVar variation 2151681 (VCV002151681.4), dbSNP rs2104057327.